The following is an entry in ClinVar:

NM_001289125.3(IFNAR2):c.712T>C (p.Ser238Pro)

Genes: IFNAR2 (interferon alpha and beta receptor subunit 2; plus strand), IFNAR2-IL10RB (IFNAR2-IL10RB readthrough; plus strand). Cytogenetic location: 21q22.11.
Variant type: single nucleotide variant.
Coding change: c.712T>C on transcript NM_001289125.3 (MANE Select); coding-DNA position 712, T replaced by C.
Protein change: p.Ser238Pro; replaces serine 238 with proline.
Molecular consequence: missense variant. On other transcripts: intron variant (3).
Genome position (GRCh38, 1-based): chr21:33,260,599, T>C. VCF-style: chr21-33260599-T-C. GRCh37 (hg19) VCF-style: chr21-34632904-T-C.
Other names: c.712T>C, p.Ser238Pro (NM_000874.5, NM_001385055.1, NM_207584.3 and 1 more transcripts); c.710-2194T>C (NM_001289128.2, NM_001289126.2); c.710-1962T>C (NM_001385054.1); c.712T>C (NM_207585.1); short protein forms S238P.
Identifiers: ClinVar variation 2419319 (VCV002419319.5), dbSNP rs753832276, ClinGen allele CA10005774.
Genomic context (GRCh38, chr21:33,260,599, plus strand): 5'-CATCTGCAATTGTTTATTGCATTTTTTGAAATAAAGTCATTTAATTTTTCATCAACAGAA[T>C]CAGCAGAATCTGCCAAAATAGGAGGAATAATTACTGTGTTTTTGATAGCATTGGTCTTGA-3'
Protein context (NP_001276054.1, residues 228-248): TLLPPGQESE[Ser238Pro]AESAKIGGII

ClinVar aggregate classification (germline): Uncertain significance. Review status: criteria provided, multiple submitters, no conflicts (2 of 4 stars). 2 submissions from 2 submitters: Uncertain significance (2). Last evaluated 2024-09-08.

Allele frequency attached by ClinVar (database versions not stated): gnomAD exomes 0.00001; ExAC 0.00002; gnomAD 0.00002; TOPMed 0.00003.

Submissions (2):

Ambry Genetics
Classification: Uncertain significance. Last evaluated: 2024-09-08. Review status: criteria provided, single submitter. Criteria: Ambry Variant Classification Scheme 2023. Collection method: clinical testing. Allele origin: germline.

Labcorp Genetics (formerly Invitae), Labcorp
Classification: Uncertain significance. Last evaluated: 2022-06-10. Review status: criteria provided, single submitter. Criteria: Invitae Variant Classification Sherloc (09022015). Collection method: clinical testing. Allele origin: germline.
Comment: This sequence change replaces serine, which is neutral and polar, with proline, which is neutral and non-polar, at codon 238 of the IFNAR2 protein (p.Ser238Pro). This variant is present in population databases (rs753832276, gnomAD 0.004%). This variant has not been reported in the literature in individuals affected with IFNAR2-related conditions. Algorithms developed to predict the effect of missense changes on protein structure and function output the following: SIFT: "Tolerated"; PolyPhen-2: "Benign"; Align-GVGD: "Class C0". The proline amino acid residue is found in multiple mammalian species, which suggests that this missense change does not adversely affect protein function. In summary, the available evidence is currently insufficient to determine the role of this variant in disease. Therefore, it has been classified as a Variant of Uncertain Significance.